The following is an entry in ClinVar:

ClinVar aggregate classification (germline): Uncertain significance. Review status: criteria provided, multiple submitters, no conflicts (2 of 4 stars). 3 submissions from 3 submitters: Uncertain significance (3). Last evaluated 2026-01-03.

Conditions:
Inborn genetic diseases. Identifiers: MedGen C0950123, MeSH D030342.
Charcot-Marie-Tooth disease type 4. Also called: Charcot-Marie-Tooth disease, type IV; Charcot-Marie-Tooth, Type 4. Identifiers: Orphanet 64749, MedGen C4082197, MONDO:0018995.

Allele frequency attached by ClinVar (database versions not stated): ExAC 0.00002; gnomAD exomes 0.00002; TOPMed 0.00005; gnomAD 0.00006.
gnomAD v4.1: 93 of 1,614,018 alleles (0.0058%); highest among the groups gnomAD compares: African/African-American, 0.008%; no homozygotes.

Submissions (3):

GeneDx
Classification: Uncertain significance. Last evaluated: 2026-01-03. Review status: criteria provided, single submitter. Criteria: GeneDx Variant Classification Process June 2021. Collection method: clinical testing. Allele origin: germline. Affected: yes.
Comment: Not observed at significant frequency in large population cohorts (gnomAD); In silico analysis suggests that this missense variant does not alter protein structure/function; Has not been previously published as pathogenic or benign to our knowledge

Labcorp Genetics (formerly Invitae), Labcorp
Classification: Uncertain significance for Charcot-Marie-Tooth disease type 4. Last evaluated: 2025-07-07. Review status: criteria provided, single submitter. Criteria: Invitae Variant Classification Sherloc (09022015). Collection method: clinical testing. Allele origin: germline.
Comment: This sequence change replaces valine, which is neutral and non-polar, with phenylalanine, which is neutral and non-polar, at codon 463 of the PRX protein (p.Val463Phe). This variant is present in population databases (rs764004836, gnomAD 0.01%). This variant has not been reported in the literature in individuals affected with PRX-related conditions. ClinVar contains an entry for this variant (Variation ID: 647189). An algorithm developed to predict the effect of missense changes on protein structure and function (PolyPhen-2) suggests that this variant is likely to be disruptive. In summary, the available evidence is currently insufficient to determine the role of this variant in disease. Therefore, it has been classified as a Variant of Uncertain Significance.

Ambry Genetics
Classification: Uncertain significance for Inborn genetic diseases. Last evaluated: 2023-02-16. Review status: criteria provided, single submitter. Criteria: Ambry Variant Classification Scheme 2023. Collection method: clinical testing. Allele origin: germline.

NM_181882.3(PRX):c.1387G>T (p.Val463Phe)

Gene: PRX (periaxin; minus strand). Cytogenetic location: 19q13.2.
Variant type: single nucleotide variant.
Coding change: c.1387G>T on transcript NM_181882.3 (MANE Select); coding-DNA position 1387, G replaced by T.
Protein change: p.Val463Phe; replaces valine 463 with phenylalanine.
Molecular consequence: missense variant. On other transcripts: 3 prime UTR variant (1).
Genome position (GRCh38, 1-based): chr19:40,396,965, C>A on the plus strand (G>T on the coding strand, the complement: PRX is on the minus strand). VCF-style: chr19-40396965-C-A. GRCh37 (hg19) VCF-style: chr19-40902872-C-A.
Other names: c.*1592G>T (NM_020956.2); short protein forms V463F.
Identifiers: ClinVar variation 647189 (VCV000647189.15), dbSNP rs764004836, ClinGen allele CA9444274.
Genomic context (GRCh38, chr19:40,396,965, plus strand): 5'-CTGGCACCTTTGGGAGTTTCATCTCTGACACCTTGGGGAGCTCCACCTCTGGGAGTCGAA[C>A]CTCTGGAAGGGCTGCCTCGGGCACTTTTGGAAGCTTGACCTCAGGAGCCTTGGGGAGCTT-3'
Protein context (NP_870998.2, residues 453-473): PKVPEAALPE[Val463Phe]RLPEVELPKV